The following is an entry in ClinVar:

ClinVar aggregate classification (germline): Likely benign (1 of 4 stars; one submission).

Conditions:
AP4S1-related disorder.

Submission:

PreventionGenetics, part of Exact Sciences
Classification: Likely benign for AP4S1-related condition. Last evaluated: 2026-03-10. Review status: criteria provided, single submitter. Criteria: ACMG Guidelines, 2015. Collection method: clinical testing. Allele origin: germline.
Comment: This variant is classified as likely benign based on ACMG/AMP sequence variant interpretation guidelines (Richards et al. 2015 PMID: 25741868, with internal and published modifications).

NM_001128126.3(AP4S1):c.306+2934_306+2938del

Gene: AP4S1 (adaptor related protein complex 4 subunit sigma 1; plus strand). Cytogenetic location: 14q12.
Variant type: Deletion.
Coding change: c.306+2934_306+2938del on transcript NM_001128126.3 (MANE Select); bases 2934 to 2938 of the intron after coding-DNA position 306, 5 bases deleted (TTTTT; older notation c.306+2934_306+2938delTTTTT).
Molecular consequence: intron variant.
Genome position (GRCh38, 1-based): chr14:31,083,518-31,083,522, TTTTT deleted; deleting any 5 consecutive bases within chr14:31,083,497-31,083,522 gives the same sequence; the c. name uses the placement nearest the transcript's 3' end. VCF-style (leftmost placement, unchanged base first): chr14-31083496-CTTTTT-C. GRCh37 (hg19) VCF-style: chr14-31552702-CTTTTT-C.
Other names: c.306+2934_306+2938del (NM_001254729.2, NM_001254728.2); c.367-8_367-4del (NM_001254727.2); c.367-1251_367-1247del (NM_007077.5); c.295-1251_295-1247del (NM_001254726.2).
Identifiers: ClinVar variation 4996692 (VCV004996692.1).